The following is an entry in ClinVar:

NM_033026.6(PCLO):c.8285A>G (p.Glu2762Gly)

Gene: PCLO (piccolo presynaptic cytomatrix protein; minus strand). Cytogenetic location: 7q21.11.
Variant type: single nucleotide variant.
Coding change: c.8285A>G on transcript NM_033026.6 (MANE Select); coding-DNA position 8285, A replaced by G.
Protein change: p.Glu2762Gly; replaces glutamic acid 2762 with glycine.
Molecular consequence: missense variant.
Genome position (GRCh38, 1-based): chr7:82,952,668, T>C on the plus strand (A>G on the coding strand, the complement: PCLO is on the minus strand). VCF-style: chr7-82952668-T-C. GRCh37 (hg19) VCF-style: chr7-82581984-T-C.
Other names: c.8285A>G (NM_033026.5); c.8285A>G, p.Glu2762Gly (NM_014510.3); short protein forms E2762G.
Identifiers: ClinVar variation 3594916 (VCV003594916.2).

ClinVar aggregate classification (germline): Uncertain significance. Review status: criteria provided, multiple submitters, no conflicts (2 of 4 stars). 2 submissions from 2 submitters: Uncertain significance (2). Last evaluated 2026-07-19.

Conditions:
Pontocerebellar hypoplasia type 3 (PCH3). Also called: CEREBELLAR ATROPHY WITH PROGRESSIVE MICROCEPHALY; PCH WITH OPTIC ATROPHY. Identifiers: Orphanet 97249, MedGen C1842687, MONDO:0011948, OMIM 608027.
Inborn genetic diseases. Identifiers: MedGen C0950123, MeSH D030342.

gnomAD v4.1: 3 of 1,613,974 alleles (0.00019%); highest among the groups gnomAD compares: Non-Finnish European, 0.00025%; no homozygotes.

Submissions (2):

Ambry Genetics
Classification: Uncertain significance for Inborn genetic diseases. Last evaluated: 2026-07-19. Review status: criteria provided, single submitter. Criteria: Ambry Variant Classification Scheme 2023. Collection method: clinical testing. Allele origin: germline.
Comment: The c.8285A>G (p.E2762G) alteration is located in exon 5 (coding exon 5) of the PCLO gene. This alteration results from a A to G substitution at nucleotide position 8285, causing the glutamic acid (E) at amino acid position 2762 to be replaced by a glycine (G). Based on data from gnomAD, the G allele has an overall frequency of <0.001% (1/248866) total alleles studied. The highest observed frequency was 0.001% (1/112720) of European (non-Finnish) alleles. Based on insufficient or conflicting evidence, the clinical significance of this alteration remains unclear.

Fulgent Genetics
Classification: Uncertain significance for Pontocerebellar hypoplasia type 3. Last evaluated: 2024-06-03. Review status: criteria provided, single submitter. Criteria: ACMG Guidelines, 2015. Collection method: clinical testing. Allele origin: germline.